The following is an entry in ClinVar:

ClinVar aggregate classification (germline): Conflicting classifications of pathogenicity. Review status: criteria provided, conflicting classifications (1 of 4 stars). 6 submissions from 6 submitters: Pathogenic (1); Likely pathogenic (3); Uncertain significance (1). 1 of the submissions does not count toward it. Last evaluated 2024-05-15.

Conditions:
Severe combined immunodeficiency, autosomal recessive, T cell-negative, B cell-negative, NK cell-positive. Also called: SCID, AR, T-cell negative, B-cell negative, NK cell-positive; Severe combined immunodeficiency due to complete RAG1/2 deficiency; SCID, T CELL-NEGATIVE, B CELL-NEGATIVE, NK CELL-POSITIVE. Identifiers: Orphanet 331206, MedGen C1832322, MONDO:0011086, OMIM 601457.
Recombinase activating gene 2 deficiency. Also called: RAG2 deficiency. Identifiers: MedGen CN257931, MONDO:0000573.
Inborn error of immunity. Also called: Primary immunodeficiency; Inborn errors of immunity. Identifiers: Orphanet 101997, MedGen C0398686, MONDO:0003778.
Combined immunodeficiency with skin granulomas. Identifiers: Orphanet 157949, MedGen C2673536, MONDO:0009306, OMIM 233650.
Histiocytic medullary reticulosis. Also called: SEVERE COMBINED IMMUNODEFICIENCY WITH HYPEREOSINOPHILIA; Omenn syndrome. Identifiers: Orphanet 39041, MedGen C2700553, MONDO:0011338, OMIM 603554.
Severe combined immunodeficiency, B cell-negative. Identifiers: MedGen C1867362.

Allele frequency attached by ClinVar (database versions not stated): gnomAD exomes below 0.00001 and 0.00001; gnomAD 0.00001; TOPMed 0.00001; ExAC 0.00002.
gnomAD v4.1: 6 of 1,610,610 alleles (0.00037%); highest among the groups gnomAD compares: South Asian, 0.0011%; no homozygotes.

Submissions (6):

Natera, Inc.
Classification: Likely pathogenic for Omenn syndrome. Last evaluated: 2024-05-15. Review status: criteria provided, single submitter. Criteria: Natera Variant Classification Schema (03/2026). Collection method: clinical testing. Allele origin: germline.
Comment: The c.1433G>A variant in RAG2 is a missense variant predicted to cause substitution of cysteine to tyrosine at amino acid 478. This variant is rare in the general population with a frequency below the threshold expected for the associated phenotype(s). This variant has been observed in one or more individuals affected with the associated recessive disease, as either homozygous or compound heterozygous with a second variant (PMID: 11133745, 24144642). Functional studies show that this variant may disrupt protein function (PMID: 26692406, 20234091). Computational prediction algorithms indicate this variant is likely to affect gene or protein function. Given the available evidence, this variant is classified as Likely Pathogenic.

Fulgent Genetics
Classification: Likely pathogenic for Combined immunodeficiency with skin granulomas; Severe combined immunodeficiency, autosomal recessive, T cell-negative, B cell-negative, NK cell-positive; Histiocytic medullary reticulosis. Last evaluated: 2024-03-06. Review status: criteria provided, single submitter. Criteria: ACMG Guidelines, 2015. Collection method: clinical testing. Allele origin: germline.

Labcorp Genetics (formerly Invitae), Labcorp
Classification: Pathogenic for Combined immunodeficiency with skin granulomas; Severe combined immunodeficiency, autosomal recessive, T cell-negative, B cell-negative, NK cell-positive. Last evaluated: 2023-10-18. Review status: criteria provided, single submitter. Criteria: Invitae Variant Classification Sherloc (09022015). Collection method: clinical testing. Allele origin: germline.
Comment: This sequence change replaces cysteine, which is neutral and slightly polar, with tyrosine, which is neutral and polar, at codon 478 of the RAG2 protein (p.Cys478Tyr). This variant is present in population databases (rs121918573, gnomAD 0.007%). This missense change has been observed in individuals with severe combined immunodeficiency (PMID: 8810255, 11133745). It has also been observed to segregate with disease in related individuals. ClinVar contains an entry for this variant (Variation ID: 13129). Advanced modeling of protein sequence and biophysical properties (such as structural, functional, and spatial information, amino acid conservation, physicochemical variation, residue mobility, and thermodynamic stability) performed at Invitae indicates that this missense variant is expected to disrupt RAG2 protein function. Experimental studies have shown that this missense change affects RAG2 function (PMID: 8810255, 20234091, 26692406, 29772310, 31388879). For these reasons, this variant has been classified as Pathogenic.

Baylor Genetics
Classification: Likely pathogenic for Combined immunodeficiency with skin granulomas. Last evaluated: 2023-02-01. Review status: criteria provided, single submitter. Criteria: ACMG Guidelines, 2015. Collection method: clinical testing. Allele origin: unknown.

Pediatric Immunology Service, The Chaim Sheba Medical Center at Tel HaShomer
Classification: Uncertain significance for RAG2 deficiency; Primary immunodeficiency; Severe combined immunodeficiency due to complete RAG1/2 deficiency. Last evaluated: 2018-03-06. Review status: criteria provided, single submitter. Criteria: ACMG Guidelines, 2015. Collection method: research. Allele origin: germline. Affected: yes.

OMIM
Classification: Pathogenic for SEVERE COMBINED IMMUNODEFICIENCY, B CELL-NEGATIVE. Last evaluated: 1996-10-04. Review status: no assertion criteria provided. Collection method: literature only. Allele origin: germline. Not counted in ClinVar's aggregate classification.

Literature cited by the submitters: PubMed 11133745 (cited by 3 submitters); PubMed 24144642 (cited by Natera, Inc.); PubMed 26692406 (cited by Natera, Inc. and Labcorp Genetics (formerly Invitae), Labcorp); PubMed 20234091 (cited by Natera, Inc. and Labcorp Genetics (formerly Invitae), Labcorp); PubMed 8810255 (cited by 3 submitters); PubMed 29772310 (cited by Labcorp Genetics (formerly Invitae), Labcorp); PubMed 31388879 (cited by Labcorp Genetics (formerly Invitae), Labcorp).

NM_000536.4(RAG2):c.1433G>A (p.Cys478Tyr)

Gene: RAG2 (recombination activating 2; minus strand). Cytogenetic location: 11p12.
Variant type: single nucleotide variant.
Coding change: c.1433G>A on transcript NM_000536.4 (MANE Select); coding-DNA position 1433, G replaced by A.
Protein change: p.Cys478Tyr; replaces cysteine 478 with tyrosine.
Molecular consequence: missense variant.
Genome position (GRCh38, 1-based): chr11:36,592,736, C>T on the plus strand (G>A on the coding strand, the complement: RAG2 is on the minus strand). VCF-style: chr11-36592736-C-T. GRCh37 (hg19) VCF-style: chr11-36614286-C-T.
Other names: C476Y; c.1433G>A, p.Cys478Tyr (NM_001243785.2, NM_001243786.2); short protein forms C478Y.
Identifiers: ClinVar variation 13129 (VCV000013129.9), dbSNP rs121918573, ClinGen allele CA122849.